The following is an entry in ClinVar:

ClinVar aggregate classification (germline): Uncertain significance (1 of 4 stars; one submission).

Conditions:
Short-rib thoracic dysplasia 6 with or without polydactyly (SRTD6). Also called: POLYDACTYLY WITH NEONATAL CHONDRODYSTROPHY, TYPE II; Majewski Syndrome; SHORT RIB-POLYDACTYLY SYNDROME, TYPE IIA; SHORT-RIB THORACIC DYSPLASIA 6 WITH POLYDACTYLY; SHORT-RIB THORACIC DYSPLASIA 6 WITHOUT POLYDACTYLY. Identifiers: MedGen C0024507, MONDO:0009894, OMIM 263520.

Submission:

Labcorp Genetics (formerly Invitae), Labcorp
Classification: Uncertain significance for Short-rib thoracic dysplasia 6 with or without polydactyly. Last evaluated: 2025-01-07. Review status: criteria provided, single submitter. Criteria: Invitae Variant Classification Sherloc (09022015). Collection method: clinical testing. Allele origin: germline.
Comment: This sequence change replaces serine, which is neutral and polar, with isoleucine, which is neutral and non-polar, at codon 414 of the NEK1 protein (p.Ser414Ile). This variant is not present in population databases (gnomAD no frequency). This variant has not been reported in the literature in individuals affected with NEK1-related conditions. Invitae Evidence Modeling of protein sequence and biophysical properties (such as structural, functional, and spatial information, amino acid conservation, physicochemical variation, residue mobility, and thermodynamic stability) indicates that this missense variant is not expected to disrupt NEK1 protein function with a negative predictive value of 95%. In summary, the available evidence is currently insufficient to determine the role of this variant in disease. Therefore, it has been classified as a Variant of Uncertain Significance.

NM_001199397.3(NEK1):c.1241G>T (p.Ser414Ile)

Gene: NEK1 (NIMA related kinase 1; minus strand). Cytogenetic location: 4q33.
Variant type: single nucleotide variant.
Coding change: c.1241G>T on transcript NM_001199397.3 (MANE Select); coding-DNA position 1241, G replaced by T.
Protein change: p.Ser414Ile; replaces serine 414 with isoleucine.
Molecular consequence: missense variant. On other transcripts: non-coding transcript variant (2), intron variant (2).
Genome position (GRCh38, 1-based): chr4:169,561,505, C>A on the plus strand (G>T on the coding strand, the complement: NEK1 is on the minus strand). VCF-style: chr4-169561505-C-A. GRCh37 (hg19) VCF-style: chr4-170482656-C-A.
Other names: c.1241G>T, p.Ser414Ile (NM_001199398.3, NM_001199400.3, NM_001374418.1 and 4 more transcripts); c.1190G>T, p.Ser397Ile (NM_001374420.1); c.1140+327G>T (NM_001374421.1); c.1191+182G>T (NM_001199399.3); short protein forms S414I, S397I.
Identifiers: ClinVar variation 3637037 (VCV003637037.2).
Genomic context (GRCh38, chr4:169,561,505, plus strand): 5'-ATGGTAGTATAACCATATTGGTATAAAATGCCTACCTTTACTTCACCACTTCCACCAGCA[C>A]TTAGCACATTTCTCCATCCTTGTTCCCTGGCCCTATTTATTCTTTCCAACTTTGGGGAAA-3'
Protein context (NP_001186326.1, residues 404-424): AREQGWRNVL[Ser414Ile]AGGSGEVKAP